The following is an entry in ClinVar:

ClinVar aggregate classification (germline): Pathogenic (1 of 4 stars; one submission).

Conditions:
Congenital myasthenic syndrome 18. Also called: MYASTHENIC SYNDROME, CONGENITAL, 18, WITH INTELLECTUAL DISABILITY AND ATAXIA. Identifiers: Orphanet 590, MedGen C4225364, MONDO:0014590, OMIM 616330.

Submission:

ARUP Laboratories, Molecular Genetics and Genomics, ARUP Laboratories
Classification: Pathogenic for Congenital myasthenic syndrome 18. Last evaluated: 2022-02-11. Review status: criteria provided, single submitter. Criteria: ARUP Molecular Germline Variant Investigation Process 2021. Collection method: research. Allele origin: de novo. Affected: yes.
Comment: The SNAP25 c.529C>T; p.Gln177Ter variant, to our knowledge, is not reported in the medical literature or gene specific database. This variant is also absent from the Genome Aggregation Database, indicating it is not a common polymorphism. This variant results in a premature termination codon in the penultimate exon of the SNAP25 gene within 50 base pairs of the 3’ end). While this may not lead to nonsense-mediated decay, it is expected to create a truncated SNAP25 protein. Several downstream missense and stop-gain pathogenic variants were documented in ClinVar. Based on available information, this variant is considered to be pathogenic.

NM_130811.4(SNAP25):c.529C>T (p.Gln177Ter)

Gene: SNAP25 (synaptosome associated protein 25; plus strand). Cytogenetic location: 20p12.2.
Variant type: single nucleotide variant.
Coding change: c.529C>T on transcript NM_130811.4 (MANE Select); coding-DNA position 529, C replaced by T.
Protein change: p.Gln177Ter; replaces glutamine 177 with a stop codon.
Molecular consequence: nonsense.
Genome position (GRCh38, 1-based): chr20:10,299,389, C>T. VCF-style: chr20-10299389-C-T. GRCh37 (hg19) VCF-style: chr20-10280037-C-T.
Other names: c.529C>T, p.Gln177Ter (NM_001322902.2, NM_001322903.2, NM_001322904.2 and 7 more transcripts); short protein forms Q177*.
Identifiers: ClinVar variation 1712269 (VCV001712269.4), dbSNP rs2514853451, ClinGen allele CA408266726.